The following is an entry in ClinVar:

ClinVar aggregate classification (germline): Likely benign (1 of 4 stars; one submission).

Conditions:
Leigh syndrome (NULS). Also called: Leigh Syndrome (mtDNA deletion); Leigh's syndrome; Leigh Disease; LEIGH SYNDROME, NUCLEAR; Subacute necrotizing encephalopathy; Necrotizing encephalopathy infantile subacute of Leigh. Identifiers: Orphanet 506, MedGen C2931891, MONDO:0009723, OMIM 256000.

Submission:

Wong Mito Lab, Molecular and Human Genetics, Baylor College of Medicine
Classification: Likely benign for Leigh syndrome. Last evaluated: 2019-10-17. Review status: criteria provided, single submitter. Criteria: Modified ACMG Guidelines (Unpublished). Collection method: clinical testing. Allele origin: germline.
Comment: The NC_012920.1:m.10887A>G (YP_003024035.1:p.Asn43Ser) variant in MTND4 gene is interpretated to be a Likely Benign variant based on the modified ACMG guidelines (unpublished). This variant meets the following evidence codes: BS4, BP4

NC_012920.1(MT-ND4):m.10887A>G

Gene: MT-ND4 (mitochondrially encoded NADH dehydrogenase 4; plus strand).
Variant type: single nucleotide variant.
Genome position: chrM-10887-A-G.
Identifiers: ClinVar variation 684482 (VCV000684482.3), dbSNP rs1603223004, ClinGen allele CA414807364.
Genomic context (GRCh38, chrMT:10,887, plus strand): 5'-TTTGAATCAACACAACCACCCACAGCCTAATTATTAGCATCATCCCTCTACTATTTTTTA[A>G]CCAAATCAACAACAACCTATTTAGCTGTTCCCCAACCTTTTCCTCCGACCCCCTAACAAC-3'